The following is an entry in ClinVar:

ClinVar aggregate classification (germline): Uncertain significance (1 of 4 stars; one submission).

gnomAD v4.1: 1 of 1,614,186 alleles (0.000062%); highest among the groups gnomAD compares: Non-Finnish European, 0.000085%; no homozygotes.

Submission:

Women's Health and Genetics/Laboratory Corporation of America, LabCorp
Classification: Uncertain significance. Last evaluated: 2024-11-08. Review status: criteria provided, single submitter. Criteria: LabCorp Variant Classification Summary - May 2015. Collection method: clinical testing. Allele origin: germline.
Comment: Variant summary: ATP7B c.2936T>A (p.Leu979Gln) results in a non-conservative amino acid change located in the Calcium ATPase, transmembrane domain M domain (IPR023298) of the encoded protein sequence. Five of five in-silico tools predict a damaging effect of the variant on protein function. The variant was absent in 249394 control chromosomes. The available data on variant occurrences in the general population are insufficient to allow any conclusion about variant significance. c.2936T>A has been reported in the simple heterozygous state (2nd allele not found) in the literature in at least 1 individual affected with clinical features of Wilson Disease (example, Barbosa_2018, Chappuis_2007, Ferenci_2019). These report(s) do not provide unequivocal conclusions about association of the variant with Wilson Disease. To our knowledge, no experimental evidence demonstrating an impact on protein function has been reported. No submitters have cited clinical-significance assessments for this variant to ClinVar. Based on the evidence outlined above, the variant was classified as uncertain significance.

Literature cited by the submitters: PubMed 17317524; PubMed 30232804; PubMed 30576569.

NM_000053.4(ATP7B):c.2936T>A (p.Leu979Gln)

Gene: ATP7B (ATPase copper transporting beta; minus strand). Cytogenetic location: 13q14.3.
Variant type: single nucleotide variant.
Coding change: c.2936T>A on transcript NM_000053.4 (MANE Select); coding-DNA position 2936, T replaced by A.
Protein change: p.Leu979Gln; replaces leucine 979 with glutamine.
Molecular consequence: missense variant. On other transcripts: intron variant (6).
Genome position (GRCh38, 1-based): chr13:51,946,408, A>T on the plus strand (T>A on the coding strand, the complement: ATP7B is on the minus strand). VCF-style: chr13-51946408-A-T. GRCh37 (hg19) VCF-style: chr13-52520544-A-T.
Other names: c.2315T>A, p.Leu772Gln (NM_001005918.3); c.2603T>A, p.Leu868Gln (NM_001243182.2); c.2702T>A, p.Leu901Gln (NM_001330578.2, NM_001406527.1, NM_001406528.1 and 1 more transcripts); c.2684T>A, p.Leu895Gln (NM_001330579.2, NM_001406531.1, NM_001406532.1); c.2936T>A, p.Leu979Gln (NM_001406511.1, NM_001406512.1, NM_001406513.1 and 2 more transcripts); c.2903T>A, p.Leu968Gln (NM_001406514.1); c.2882T>A, p.Leu961Gln (NM_001406515.1, NM_001406516.1); c.2840T>A, p.Leu947Gln (NM_001406517.1, NM_001406518.1); and 18 more; short protein forms L549Q, L763Q, L772Q, L785Q, L817Q, L836Q, L863Q, L868Q.
Identifiers: ClinVar variation 3629757 (VCV003629757.1).